The following is an entry in ClinVar:

NM_000038.6(APC):c.252A>G (p.Gly84=)

Gene: APC (APC regulator of Wnt signaling pathway; plus strand). Cytogenetic location: 5q22.2.
Variant type: single nucleotide variant.
Coding change: c.252A>G on transcript NM_000038.6 (MANE Select); coding-DNA position 252, A replaced by G.
Protein change: p.Gly84=; no amino-acid change (glycine 84 retained).
Molecular consequence: synonymous variant. On other transcripts: 5 prime UTR variant (1).
Genome position (GRCh38, 1-based): chr5:112,767,220, A>G. VCF-style: chr5-112767220-A-G. GRCh37 (hg19) VCF-style: chr5-112102917-A-G.
Other names: c.252A>G, p.Gly84= (NM_001127510.3, NM_001354895.2, NM_001354896.2 and 2 more transcripts); c.282A>G, p.Gly94= (NM_001127511.3, NM_001354897.2, NM_001354902.2); c.177A>G, p.Gly59= (NM_001354898.2, NM_001354904.2); c.75A>G, p.Gly25= (NM_001354900.2, NM_001354901.2, NM_001354905.2); c.-784A>G (NM_001354906.2).
Identifiers: ClinVar variation 821433 (VCV000821433.16), dbSNP rs375051600, ClinGen allele CA032400.

ClinVar aggregate classification (germline): Conflicting classifications of pathogenicity. Review status: criteria provided, conflicting classifications (1 of 4 stars). 6 submissions from 6 submitters: Uncertain significance (1); Benign (1); Likely benign (4). Last evaluated 2025-02-26.

Conditions:
Familial adenomatous polyposis 1 (FAP1). Also called: FAMILIAL ADENOMATOUS POLYPOSIS 1, ATTENUATED; POLYPOSIS, ADENOMATOUS INTESTINAL. Identifiers: MedGen C2713442, MONDO:0021056, OMIM 175100. Disease mechanism: loss of function.
Classic or attenuated familial adenomatous polyposis. Identifiers: MedGen CN372698, MONDO:0021057.
Hereditary cancer-predisposing syndrome. Also called: Neoplastic Syndromes, Hereditary; Tumor predisposition; Hereditary Cancer Syndrome; Hereditary neoplastic syndrome. Identifiers: Orphanet 140162, MedGen C0027672, MeSH D009386, MONDO:0015356.

Allele frequency attached by ClinVar (database versions not stated): TOPMed below 0.00001; ExAC 0.00001; gnomAD 0.00001; gnomAD exomes 0.00001; ESP Exome Variant Server 0.00008.
gnomAD v4.1: 13 of 1,614,056 alleles (0.00081%); highest among the groups gnomAD compares: Non-Finnish European, 0.0011%; no homozygotes.

Submissions (6):

Labcorp Genetics (formerly Invitae), Labcorp
Classification: Likely benign for Familial adenomatous polyposis 1. Last evaluated: 2025-02-26. Review status: criteria provided, single submitter. Criteria: Invitae Variant Classification Sherloc (09022015). Collection method: clinical testing. Allele origin: germline.

Myriad Genetics, Inc.
Classification: Benign for Familial adenomatous polyposis 1. Last evaluated: 2024-02-22. Review status: criteria provided, single submitter. Criteria: Myriad Autosomal Dominant, Autosomal Recessive and X-Linked Classification Criteria (2023). Collection method: clinical testing. Allele origin: unknown.
Comment: This variant is considered benign. This variant is a silent/synonymous amino acid change and it is not expected to impact splicing.

All of Us Research Program, National Institutes of Health
Classification: Likely benign for Classic or attenuated familial adenomatous polyposis. Last evaluated: 2023-11-20. Review status: criteria provided, single submitter. Criteria: ACMG Guidelines, 2015. Collection method: clinical testing. Allele origin: germline. Inheritance: Autosomal dominant inheritance. Observed: 1 variant allele, 1 heterozygote.
Comment: This study involves interpretation of variants in research participants for the purpose of population health screening. Participant phenotype was not available at the time of variant classification. Additional details can be found in publication PMID: 35346344, PMCID: PMC8962531

Sema4
Classification: Uncertain significance for Hereditary cancer-predisposing syndrome. Last evaluated: 2021-08-26. Review status: criteria provided, single submitter. Criteria: Sema4 Curation Guidelines. Collection method: curation. Allele origin: germline.
Comment: The APC c.252A>G (p.G84=) variant has not been reported in the literature to our knowledge. It was observed in 3/113730 chromosomes of the European (non-Finnish) subpopulation in the large and broad cohorts of the Genome Aggregation Database (PMID: 32461654). This variant has been reported in ClinVar (Variation ID: 821433). In silico tools suggest that the variant may create or strengthen a cryptic splice site, though these predictions have not been confirmed by functional studies. The evidence is insufficient to meet ACMG/AMP criteria for classifying the variant as benign or pathogenic. Thus, the clinical significance of this variant is currently uncertain.

Color Diagnostics, LLC DBA Color Health
Classification: Likely benign for Hereditary cancer-predisposing syndrome. Last evaluated: 2019-07-19. Review status: criteria provided, single submitter. Criteria: ACMG Guidelines, 2015. Collection method: clinical testing. Allele origin: germline.

Ambry Genetics
Classification: Likely benign for Hereditary cancer-predisposing syndrome. Last evaluated: 2018-06-20. Review status: criteria provided, single submitter. Criteria: Ambry Variant Classification Scheme 2023. Collection method: clinical testing. Allele origin: germline.